The following is an entry in ClinVar:

NM_004409.5(DMPK):c.*224CTG[383]

Genes: DM1-AS (DM1 locus antisense RNA; plus strand), DMPK (DM1 protein kinase; minus strand), LOC107075317 (origin of replication in DMPK trinucleotide repeat region; plus strand), LOC109461477 (dystrophia myotonica protein kinase repeat instability region; plus strand). Cytogenetic location: 19q13.32.
Variant type: Microsatellite.
Coding change: c.*224CTG[383] on transcript NM_004409.5 (MANE Select); 383 copies in a row of the 3-base unit CTG starting at c.*224.
Molecular consequence: 3 prime UTR variant.
Genome position: GRCh38, VCF-style position (the base before the change): chr19:45,770,204. GRCh37 (hg19), VCF-style position (the base before the change): chr19:46,273,462.
Other names: c.*217CTG[383] (NM_001424163.1, NM_001424166.1, NM_001424162.1 and 2 more transcripts); c.*369CTG[383] (NM_001424164.1, NM_001424168.1, NM_001288766.2); c.*224CTG[383] (NM_001424165.1, NM_001424169.1, NM_001081560.3 and 1 more transcripts); c.*222_*224TGC[383] (NM_001081563.3).
Identifiers: ClinVar variation 523758 (VCV000523758.2), ClinGen allele CA915951785.

ClinVar aggregate classification (germline): Pathogenic (0 of 4 stars; one submission).

Conditions:
Steinert myotonic dystrophy syndrome (DM1). Also called: STEINERT DISEASE; Myotonic dystrophy type 1; Dystrophia myotonica type 1; Steinert myotonic dystrophy; Steinert's disease. Identifiers: Orphanet 273, MedGen C3250443, MONDO:0008056, OMIM 160900.

Submission:

Institute of Molecular, Cell and Systems Biology, University of Glasgow
Classification: Pathogenic for Steinert myotonic dystrophy syndrome. Last evaluated: 2018-03-14. Review status: no assertion criteria provided. Collection method: research. Allele origin: inherited. Inheritance: Autosomal dominant inheritance. Affected: yes. Observed: 1 variant allele.
Comment: DMPK CTG repeat expansions greater than approximately 45-50 repeats are assumed to be pathogenic

Literature cited by the submitters: PubMed 29967337; PubMed 1346923; PubMed 1546326.